The following is an entry in ClinVar:

ClinVar aggregate classification (germline): Uncertain significance. Review status: criteria provided, multiple submitters, no conflicts (2 of 4 stars). 2 submissions from 2 submitters: Uncertain significance (2). Last evaluated 2025-07-25.

Conditions:
Wilson disease (WND). Also called: Wilson's disease. Identifiers: Orphanet 905, MedGen C0019202, MONDO:0010200, OMIM 277900. Disease mechanism: loss of function.

Submissions (2):

Color Diagnostics, LLC DBA Color Health
Classification: Uncertain significance for Wilson disease. Last evaluated: 2025-07-25. Review status: criteria provided, single submitter. Criteria: ACMG Guidelines, 2015. Collection method: clinical testing. Allele origin: germline.
Comment: This missense variant replaces leucine with valine at codon 798 of the ATP7B protein. Computational prediction suggests that this variant may have deleterious impact on protein structure and function. To our knowledge, functional studies have not been reported for this variant. This variant has not been reported in individuals affected with ATP7B-related disorders in the literature. This variant has not been identified in the general population by the Genome Aggregation Database (gnomAD). The available evidence is insufficient to determine the role of this variant in disease conclusively. Therefore, this variant is classified as a Variant of Uncertain Significance.

Fulgent Genetics
Classification: Uncertain significance for Wilson disease. Last evaluated: 2024-05-04. Review status: criteria provided, single submitter. Criteria: ACMG Guidelines, 2015. Collection method: clinical testing. Allele origin: germline.

NM_000053.4(ATP7B):c.2392C>G (p.Leu798Val)

Gene: ATP7B (ATPase copper transporting beta; minus strand). Cytogenetic location: 13q14.3.
Variant type: single nucleotide variant.
Coding change: c.2392C>G on transcript NM_000053.4 (MANE Select); coding-DNA position 2392, C replaced by G.
Protein change: p.Leu798Val; replaces leucine 798 with valine.
Molecular consequence: missense variant. On other transcripts: intron variant (1).
Genome position (GRCh38, 1-based): chr13:51,957,571, G>C on the plus strand (C>G on the coding strand, the complement: ATP7B is on the minus strand). VCF-style: chr13-51957571-G-C. GRCh37 (hg19) VCF-style: chr13-52531707-G-C.
Other names: c.2392C>G, p.Leu798Val (NM_001406519.1, NM_001406523.1, NM_001406525.1 and 7 more transcripts); c.2248C>G, p.Leu750Val (NM_001406520.1, NM_001406521.1, NM_001406522.1 and 1 more transcripts); c.2215C>G, p.Leu739Val (NM_001406524.1); c.2158C>G, p.Leu720Val (NM_001406527.1, NM_001406528.1, NM_001330578.2 and 2 more transcripts); c.1906C>G, p.Leu636Val (NM_001005918.3, NM_001406541.1, NM_001406542.1 and 1 more transcripts); c.2059C>G, p.Leu687Val (NM_001243182.2); c.2140C>G, p.Leu714Val (NM_001330579.2, NM_001406531.1, NM_001406532.1 and 1 more transcripts); c.2359C>G, p.Leu787Val (NM_001406514.1); and 8 more; short protein forms L604V, L720V, L766V, L655V, L682V, L687V, L787V, L798V.
Identifiers: ClinVar variation 3576304 (VCV003576304.2).
Genomic context (GRCh38, chr13:51,957,571, plus strand): 5'-CTCACCTGATGATTAAATTGTCCTCACCAAGGGTCACAACGGTGGCTTCTGTGGCTTGGA[G>C]AGACATGAGTTTAGCCAGGGCTTCTGAGGTTTTGCTCTAGGAAATAACCAGAATGTGAAA-3'
Protein context (NP_000044.2, residues 788-808): TSEALAKLMS[Leu798Val]QATEATVVTL